The following is an entry in ClinVar:

ClinVar aggregate classification (germline): Likely pathogenic (1 of 4 stars; one submission).

Conditions:
Leber congenital amaurosis (LCA). Also called: Leber's amaurosis. Identifiers: Orphanet 65, MedGen C0339527, MeSH D057130, MONDO:0018998.

Submission:

Natera, Inc.
Classification: Likely pathogenic for Leber congenital amaurosis. Last evaluated: 2024-10-16. Review status: criteria provided, single submitter. Criteria: Natera Variant Classification Schema (03/2026). Collection method: clinical testing. Allele origin: germline.
Comment: The c.983G>A variant in CRB1 is a nonsense variant predicted to introduce a stop codon at amino acid 328. This variant is expected to result in nonsense mediated decay, truncation, or a dysfunctional protein product. This variant is rare in the general population with a frequency below the threshold expected for the associated phenotype(s). Given the available evidence, this variant is classified as Likely Pathogenic.

NM_201253.3(CRB1):c.983G>A (p.Trp328Ter)

Gene: CRB1 (crumbs cell polarity complex component 1; plus strand). Cytogenetic location: 1q31.3.
Variant type: single nucleotide variant.
Coding change: c.983G>A on transcript NM_201253.3 (MANE Select); coding-DNA position 983, G replaced by A.
Protein change: p.Trp328Ter; replaces tryptophan 328 with a stop codon.
Molecular consequence: nonsense. On other transcripts: non-coding transcript variant (2), intron variant (1).
Genome position (GRCh38, 1-based): chr1:197,347,474, G>A. VCF-style: chr1-197347474-G-A. GRCh37 (hg19) VCF-style: chr1-197316604-G-A.
Other names: c.776G>A, p.Trp259Ter (NM_001257965.2); c.983G>A, p.Trp328Ter (NM_001257966.2); c.653-9357G>A (NM_001193640.2); short protein forms W259*, W328*.
Identifiers: ClinVar variation 4817066 (VCV004817066.1).
Genomic context (GRCh38, chr1:197,347,474, plus strand): 5'-AACCTTGTCACAATAATGCTACATGTGAGGACAGTGTTGACAATTACACTTGTCACTGCT[G>A]GCCTGGTGAGTGACAAAATACCTTCCACCAATTATTTTTCATTTGTTTAGAATACACATA-3'